The following is an entry in ClinVar:

NM_000836.4(GRIN2D):c.3776G>A (p.Gly1259Asp)

Gene: GRIN2D (glutamate ionotropic receptor NMDA type subunit 2D; plus strand). Cytogenetic location: 19q13.33.
Variant type: single nucleotide variant.
Coding change: c.3776G>A on transcript NM_000836.4 (MANE Select); coding-DNA position 3776, G replaced by A.
Protein change: p.Gly1259Asp; replaces glycine 1259 with aspartic acid.
Molecular consequence: missense variant.
Genome position (GRCh38, 1-based): chr19:48,443,702, G>A. VCF-style: chr19-48443702-G-A. GRCh37 (hg19) VCF-style: chr19-48946959-G-A.
Other names: short protein forms G1259D.
Identifiers: ClinVar variation 4802164 (VCV004802164.1).

ClinVar aggregate classification (germline): Uncertain significance (1 of 4 stars; one submission).

gnomAD v4.1: 2 of 1,297,544 alleles (0.00015%); highest among the groups gnomAD compares: Non-Finnish European, 0.0002%; no homozygotes.

Submission:

Labcorp Genetics (formerly Invitae), Labcorp
Classification: Uncertain significance. Last evaluated: 2025-09-21. Review status: criteria provided, single submitter. Criteria: Invitae Variant Classification Sherloc (09022015). Collection method: clinical testing. Allele origin: germline.
Comment: This sequence change replaces glycine, which is neutral and non-polar, with aspartic acid, which is acidic and polar, at codon 1259 of the GRIN2D protein (p.Gly1259Asp). The frequency data for this variant in the population databases is considered unreliable, as metrics indicate insufficient coverage at this position in the gnomAD database. This missense change has been observed in individual(s) with autism spectrum disorder (PMID: 37393044). Invitae Evidence Modeling of protein sequence and biophysical properties (such as structural, functional, and spatial information, amino acid conservation, physicochemical variation, residue mobility, and thermodynamic stability) indicates that this missense variant is not expected to disrupt GRIN2D protein function with a negative predictive value of 95%. In summary, the available evidence is currently insufficient to determine the role of this variant in disease. Therefore, it has been classified as a Variant of Uncertain Significance.

Literature cited by the submitters: PubMed 37393044.